The following is an entry in ClinVar:

NM_020919.4(ALS2):c.2880G>A (p.Trp960Ter)

Gene: ALS2 (alsin Rho guanine nucleotide exchange factor ALS2; minus strand). Cytogenetic location: 2q33.1.
Variant type: single nucleotide variant.
Coding change: c.2880G>A on transcript NM_020919.4 (MANE Select); coding-DNA position 2880, G replaced by A.
Protein change: p.Trp960Ter; replaces tryptophan 960 with a stop codon.
Molecular consequence: nonsense.
Genome position (GRCh38, 1-based): chr2:201,727,737, C>T on the plus strand (G>A on the coding strand, the complement: ALS2 is on the minus strand). VCF-style: chr2-201727737-C-T. GRCh37 (hg19) VCF-style: chr2-202592460-C-T.
Other names: c.2880G>A, p.Trp960Ter (NM_001410975.1); short protein forms W960*.
Identifiers: ClinVar variation 2866395 (VCV002866395.3), dbSNP rs2469780591, ClinGen allele CA350322362.

ClinVar aggregate classification (germline): Pathogenic (1 of 4 stars; one submission).

Conditions:
Infantile-onset ascending hereditary spastic paralysis (IAHSP). Also called: Autosomal Recessive Juvenile Amyotrophic Lateral Sclerosis; Infantile-Onset Ascending Hereditary Spastic Paralysis (IAHSP). Identifiers: Orphanet 293168, MedGen C2931441, MONDO:0011797, OMIM 607225. Disease mechanism: loss of function.

Submission:

Labcorp Genetics (formerly Invitae), Labcorp
Classification: Pathogenic for Infantile-onset ascending hereditary spastic paralysis. Last evaluated: 2023-05-20. Review status: criteria provided, single submitter. Criteria: Invitae Variant Classification Sherloc (09022015). Collection method: clinical testing. Allele origin: germline.
Comment: This sequence change creates a premature translational stop signal (p.Trp960*) in the ALS2 gene. It is expected to result in an absent or disrupted protein product. Loss-of-function variants in ALS2 are known to be pathogenic (PMID: 11586298, 24315819). This variant is not present in population databases (gnomAD no frequency). This variant has not been reported in the literature in individuals affected with ALS2-related conditions. For these reasons, this variant has been classified as Pathogenic.

Literature cited by the submitters: PubMed 11586298; PubMed 24315819.